The following is an entry in ClinVar:

ClinVar aggregate classification (germline): Uncertain significance (1 of 4 stars; one submission).

Conditions:
Autosomal recessive polycystic kidney disease (ARPKD). Also called: AR polycystic kidney disease. Identifiers: Orphanet 731, Orphanet 8378, MedGen C0085548, MeSH D017044, MONDO:0009889.

Submission:

Labcorp Genetics (formerly Invitae), Labcorp
Classification: Uncertain significance for Autosomal recessive polycystic kidney disease. Last evaluated: 2021-06-02. Review status: criteria provided, single submitter. Criteria: Invitae Variant Classification Sherloc (09022015). Collection method: clinical testing. Allele origin: germline.
Comment: This sequence change replaces asparagine with tyrosine at codon 2879 of the PKHD1 protein (p.Asn2879Tyr). The asparagine residue is highly conserved and there is a large physicochemical difference between asparagine and tyrosine. This variant is not present in population databases (ExAC no frequency). This variant has not been reported in the literature in individuals with PKHD1-related conditions. Advanced modeling of protein sequence and biophysical properties (such as structural, functional, and spatial information, amino acid conservation, physicochemical variation, residue mobility, and thermodynamic stability) performed at Invitae indicates that this missense variant is expected to disrupt PKHD1 protein function. In summary, the available evidence is currently insufficient to determine the role of this variant in disease. Therefore, it has been classified as a Variant of Uncertain Significance.

NM_138694.4(PKHD1):c.8635A>T (p.Asn2879Tyr)

Gene: PKHD1 (PKHD1 ciliary IPT domain containing fibrocystin/polyductin; minus strand). Cytogenetic location: 6p12.3.
Variant type: single nucleotide variant.
Coding change: c.8635A>T on transcript NM_138694.4 (MANE Select); coding-DNA position 8635, A replaced by T.
Protein change: p.Asn2879Tyr; replaces asparagine 2879 with tyrosine.
Molecular consequence: missense variant.
Genome position (GRCh38, 1-based): chr6:51,772,709, T>A on the plus strand (A>T on the coding strand, the complement: PKHD1 is on the minus strand). VCF-style: chr6-51772709-T-A. GRCh37 (hg19) VCF-style: chr6-51637507-T-A.
Other names: c.8635A>T, p.Asn2879Tyr (NM_170724.3); short protein forms N2879Y.
Identifiers: ClinVar variation 1510504 (VCV001510504.8), dbSNP rs2151137736, ClinGen allele CA364434880.
Genomic context (GRCh38, chr6:51,772,709, plus strand): 5'-AAGCAACCTAAACAACAACCAAGAAAAAGCCCTAAGTTACTCTCATTCCTTACCTCTCAT[T>A]TCCTGAGGCAATATCAGCTCCAAGATGTGTCCAGGAGTTCTTAGGATAAGCACTGTAAAG-3'
Protein context (NP_619639.3, residues 2869-2889): THLGADIASG[Asn2879Tyr]ERIIVEDAVD